The following is an entry in ClinVar:

ClinVar aggregate classification (germline): Uncertain significance. Review status: criteria provided, multiple submitters, no conflicts (2 of 4 stars). 2 submissions from 2 submitters: Uncertain significance (2). Last evaluated 2024-11-18.

Conditions:
Cardiovascular phenotype. Identifiers: MedGen CN230736.

gnomAD v4.1: 21 of 1,614,046 alleles (0.0013%); highest among the groups gnomAD compares: Non-Finnish European, 0.00017%; no homozygotes.

Submissions (2):

Ambry Genetics
Classification: Uncertain significance for Cardiovascular phenotype. Last evaluated: 2024-11-18. Review status: criteria provided, single submitter. Criteria: Ambry Variant Classification Scheme 2023. Collection method: clinical testing. Allele origin: germline.
Comment: The p.G144V variant (also known as c.431G>T), located in coding exon 3 of the MYH6 gene, results from a G to T substitution at nucleotide position 431. The glycine at codon 144 is replaced by valine, an amino acid with dissimilar properties. This amino acid position is conserved. In addition, this alteration is predicted to be deleterious by in silico analysis. Based on the available evidence, the clinical significance of this variant remains unclear.

Clinical Genetics Laboratory, Skane University Hospital Lund
Classification: Uncertain significance. Last evaluated: 2022-05-27. Review status: criteria provided, single submitter. Criteria: ACMG Guidelines, 2015. Collection method: clinical testing. Allele origin: germline. Affected: yes.

NM_002471.4(MYH6):c.431G>T (p.Gly144Val)

Genes: MYH6 (myosin heavy chain 6; minus strand), LOC114827851 (VISTA enhancer hs2155; plus strand). Cytogenetic location: 14q11.2.
Variant type: single nucleotide variant.
Coding change: c.431G>T on transcript NM_002471.4 (MANE Select); coding-DNA position 431, G replaced by T.
Protein change: p.Gly144Val; replaces glycine 144 with valine.
Molecular consequence: missense variant.
Genome position (GRCh38, 1-based): chr14:23,405,294, C>A on the plus strand (G>T on the coding strand, the complement: MYH6 is on the minus strand). VCF-style: chr14-23405294-C-A. GRCh37 (hg19) VCF-style: chr14-23874503-C-A.
Other names: short protein forms G144V.
Identifiers: ClinVar variation 3336913 (VCV003336913.2).
Genomic context (GRCh38, chr14:23,405,294, plus strand): 5'-TACTGATAGGCGTTGTCGGAGATGGAGAAGATGTGGGGCGGGGCCTCACTCCTCTTCTTG[C>A]CCCGGTAGGCGGCCACCACCTCGGCATTGTACACCGGCAGCCACTTGTAGGGGTTGACAG-3'
Protein context (NP_002462.2, residues 134-154): YNAEVVAAYR[Gly144Val]KKRSEAPPHI